The following is an entry in ClinVar:

NM_001005242.3(PKP2):c.*48dup

Gene: PKP2 (plakophilin 2; minus strand). Cytogenetic location: 12p11.21.
Variant type: Duplication.
Coding change: c.*48dup on transcript NM_001005242.3 (MANE Select); 48 bases downstream of the stop codon, one base duplicated (A; older notation c.*48dupA).
Molecular consequence: 3 prime UTR variant.
Genome position (GRCh38, 1-based): chr12:32,792,376, T duplicated on the plus strand (A on the coding strand, the reverse complement: PKP2 is on the minus strand). VCF-style (leftmost placement, unchanged base first): chr12-32792375-G-GT. GRCh37 (hg19) VCF-style: chr12-32945309-G-GT.
Other names: c.*48dup (NM_004572.4).
Identifiers: ClinVar variation 308502 (VCV000308502.35), dbSNP rs369140281, ClinGen allele CA6508274.

ClinVar aggregate classification (germline): Benign. Review status: criteria provided, multiple submitters, no conflicts (2 of 4 stars). 2 submissions from 2 submitters: Benign (2). Last evaluated 2026-08-01.

Allele frequency attached by ClinVar (database versions not stated): 1000 Genomes Project 30x 0.00203; TOPMed 0.00219; 1000 Genomes Project 0.00260; ESP Exome Variant Server 0.00280; gnomAD exomes 0.00539 and 0.00735; ExAC 0.00653; gnomAD 0.00659 and 0.00677.

Submissions (2):

CeGaT Center for Human Genetics Tuebingen
Classification: Benign. Last evaluated: 2026-08-01. Review status: criteria provided, single submitter. Criteria: CeGaT Center For Human Genetics Tuebingen Variant Classification Criteria Version 2. Collection method: clinical testing. Allele origin: germline. Affected: yes. Observed: 14 variant alleles.
Comment: PKP2: BS1, BS2

GeneDx
Classification: Benign. Last evaluated: 2018-06-26. Review status: criteria provided, single submitter. Criteria: GeneDx Variant Classification Process June 2021. Collection method: clinical testing. Allele origin: germline. Affected: yes.